The following is an entry in ClinVar:

NM_024675.4(PALB2):c.1507G>C (p.Ala503Pro)

Gene: PALB2 (partner and localizer of BRCA2; minus strand). Cytogenetic location: 16p12.2.
Variant type: single nucleotide variant.
Coding change: c.1507G>C on transcript NM_024675.4 (MANE Select); coding-DNA position 1507, G replaced by C.
Protein change: p.Ala503Pro; replaces alanine 503 with proline.
Molecular consequence: missense variant.
Genome position (GRCh38, 1-based): chr16:23,635,039, C>G on the plus strand (G>C on the coding strand, the complement: PALB2 is on the minus strand). VCF-style: chr16-23635039-C-G. GRCh37 (hg19) VCF-style: chr16-23646360-C-G.
Other names: short protein forms A503P.
Identifiers: ClinVar variation 460898 (VCV000460898.23), dbSNP rs1555461243, ClinGen allele CA395131030.

ClinVar aggregate classification (germline): Conflicting classifications of pathogenicity. Review status: criteria provided, conflicting classifications (1 of 4 stars). 7 submissions from 7 submitters: Uncertain significance (6); Likely benign (1). Last evaluated 2026-06-05.

Conditions:
Hereditary cancer-predisposing syndrome. Also called: Tumor predisposition; Hereditary neoplastic syndrome; Neoplastic Syndromes, Hereditary; Hereditary Cancer Syndrome. Identifiers: Orphanet 140162, MedGen C0027672, MeSH D009386, MONDO:0015356.
Familial cancer of breast. Also called: BREAST CANCER, FAMILIAL; hereditary breast carcinoma; Hereditary breast cancer. Identifiers: Orphanet 227535, MedGen C0346153, MONDO:0016419, OMIM 114480. Disease mechanism: loss of function.

Allele frequency attached by ClinVar (database versions not stated): gnomAD exomes below 0.00001; TOPMed below 0.00001.
gnomAD v4.1: 1 of 1,614,136 alleles (0.000062%); highest among the groups gnomAD compares: Admixed American, 0.0017%; no homozygotes.

Submissions (7):

Women's Health and Genetics/Laboratory Corporation of America, LabCorp
Classification: Uncertain significance. Last evaluated: 2026-06-05. Review status: criteria provided, single submitter. Criteria: LabCorp Variant Classification Summary - May 2015. Collection method: clinical testing. Allele origin: germline.

Labcorp Genetics (formerly Invitae), Labcorp
Classification: Uncertain significance for Familial cancer of breast. Last evaluated: 2025-08-03. Review status: criteria provided, single submitter. Criteria: Invitae Variant Classification Sherloc (09022015). Collection method: clinical testing. Allele origin: germline.
Comment: This sequence change replaces alanine, which is neutral and non-polar, with proline, which is neutral and non-polar, at codon 503 of the PALB2 protein (p.Ala503Pro). This variant is not present in population databases (gnomAD no frequency). This variant has not been reported in the literature in individuals affected with PALB2-related conditions. ClinVar contains an entry for this variant (Variation ID: 460898). Invitae Evidence Modeling of protein sequence and biophysical properties (such as structural, functional, and spatial information, amino acid conservation, physicochemical variation, residue mobility, and thermodynamic stability) indicates that this missense variant is not expected to disrupt PALB2 protein function with a negative predictive value of 80%. In summary, the available evidence is currently insufficient to determine the role of this variant in disease. Therefore, it has been classified as a Variant of Uncertain Significance.

GeneDx
Classification: Uncertain significance. Last evaluated: 2025-04-07. Review status: criteria provided, single submitter. Criteria: GeneDx Variant Classification Process June 2021. Collection method: clinical testing. Allele origin: germline. Affected: yes.
Comment: Not observed at significant frequency in large population cohorts (gnomAD); In silico analysis indicates that this missense variant does not alter protein structure/function; Has not been previously published as pathogenic or benign to our knowledge

Quest Diagnostics Nichols Institute San Juan Capistrano
Classification: Uncertain significance. Last evaluated: 2025-02-19. Review status: criteria provided, single submitter. Criteria: Quest Diagnostics criteria. Collection method: clinical testing. Allele origin: unknown.
Comment: The PALB2 c.1507G>C (p.Ala503Pro) variant has not been reported in individuals with PALB2-related conditions in the published literature. It also has not been reported in large, multi-ethnic general populations (Genome Aggregation Database). Analysis of this variant using bioinformatics tools for the prediction of the effect of amino acid changes on protein structure and function yielded predictions that this variant is benign. Based on the available information, we are unable to determine the clinical significance of this variant.

Ambry Genetics
Classification: Likely benign for Hereditary cancer-predisposing syndrome. Last evaluated: 2024-03-27. Review status: criteria provided, single submitter. Criteria: Ambry Variant Classification Scheme 2023. Collection method: clinical testing. Allele origin: germline.

Baylor Genetics
Classification: Uncertain significance for Familial cancer of breast. Last evaluated: 2024-03-26. Review status: criteria provided, single submitter. Criteria: ACMG Guidelines, 2015. Collection method: clinical testing. Allele origin: unknown.

Color Diagnostics, LLC DBA Color Health
Classification: Uncertain significance for Hereditary cancer-predisposing syndrome. Last evaluated: 2024-03-06. Review status: criteria provided, single submitter. Criteria: ACMG Guidelines, 2015. Collection method: clinical testing. Allele origin: germline.
Comment: This missense variant replaces alanine with proline at codon 503 of the PALB2 protein. Computational prediction suggests that this variant may not impact protein structure and function (internally defined REVEL score threshold <= 0.5, PMID: 27666373). To our knowledge, functional studies have not been reported for this variant. This variant has not been reported in individuals affected with PALB2-related disorders in the literature. This variant has not been identified in the general population by the Genome Aggregation Database (gnomAD). The available evidence is insufficient to determine the role of this variant in disease conclusively. Therefore, this variant is classified as a Variant of Uncertain Significance.